The following is an entry in ClinVar:

NM_020461.4(TUBGCP6):c.278T>C (p.Val93Ala)

Gene: TUBGCP6 (tubulin gamma complex component 6; minus strand). Cytogenetic location: 22q13.33.
Variant type: single nucleotide variant.
Coding change: c.278T>C on transcript NM_020461.4 (MANE Select); coding-DNA position 278, T replaced by C.
Protein change: p.Val93Ala; replaces valine 93 with alanine.
Molecular consequence: missense variant.
Genome position (GRCh38, 1-based): chr22:50,244,182, A>G on the plus strand (T>C on the coding strand, the complement: TUBGCP6 is on the minus strand). VCF-style: chr22-50244182-A-G. GRCh37 (hg19) VCF-style: chr22-50682611-A-G.
Other names: short protein forms V93A.
Identifiers: ClinVar variation 1053318 (VCV001053318.10), dbSNP rs955546391, ClinGen allele CA325485653.

ClinVar aggregate classification (germline): Uncertain significance. Review status: criteria provided, multiple submitters, no conflicts (2 of 4 stars). 2 submissions from 2 submitters: Uncertain significance (2). Last evaluated 2024-03-09.

Allele frequency attached by ClinVar (database versions not stated): gnomAD 0.00001; gnomAD exomes 0.00001; TOPMed 0.00001.
gnomAD v4.1: 12 of 1,613,192 alleles (0.00074%); highest among the groups gnomAD compares: Non-Finnish European, 0.00076%; no homozygotes.

Submissions (2):

Blueprint Genetics
Classification: Uncertain significance. Last evaluated: 2024-03-09. Review status: criteria provided, single submitter. Criteria: ACMG Guidelines, 2015. Collection method: clinical testing. Allele origin: germline.

Labcorp Genetics (formerly Invitae), Labcorp
Classification: Uncertain significance. Last evaluated: 2020-07-21. Review status: criteria provided, single submitter. Criteria: Invitae Variant Classification Sherloc (09022015). Collection method: clinical testing. Allele origin: germline.
Comment: This variant has not been reported in the literature in individuals with TUBGCP6-related conditions. In summary, the available evidence is currently insufficient to determine the role of this variant in disease. Therefore, it has been classified as a Variant of Uncertain Significance. Algorithms developed to predict the effect of missense changes on protein structure and function (SIFT, PolyPhen-2, Align-GVGD) all suggest that this variant is likely to be tolerated, but these predictions have not been confirmed by published functional studies and their clinical significance is uncertain. This variant is not present in population databases (ExAC no frequency). This sequence change replaces valine with alanine at codon 93 of the TUBGCP6 protein (p.Val93Ala). The valine residue is weakly conserved and there is a small physicochemical difference between valine and alanine.